The following is an entry in ClinVar:

NM_000123.4(ERCC5):c.2818G>A (p.Val940Met)

Genes: BIVM-ERCC5 (BIVM-ERCC5 readthrough; plus strand), ERCC5 (ERCC excision repair 5, endonuclease; plus strand). Cytogenetic location: 13q33.1.
Variant type: single nucleotide variant.
Coding change: c.2818G>A on transcript NM_000123.4 (MANE Select); coding-DNA position 2818, G replaced by A.
Protein change: p.Val940Met; replaces valine 940 with methionine.
Molecular consequence: missense variant.
Genome position (GRCh38, 1-based): chr13:102,872,337, G>A. VCF-style: chr13-102872337-G-A. GRCh37 (hg19) VCF-style: chr13-103524687-G-A.
Other names: c.4180G>A, p.Val1394Met (NM_001204425.2); short protein forms V940M, V1394M.
Identifiers: ClinVar variation 310936 (VCV000310936.54), dbSNP rs146344855, ClinGen allele CA7041747.

ClinVar aggregate classification (germline): Conflicting classifications of pathogenicity. Review status: criteria provided, conflicting classifications (1 of 4 stars). 14 submissions from 14 submitters: Uncertain significance (4); Likely benign (8). 2 of the submissions do not count toward it. Last evaluated 2026-06-01.

Conditions:
Cerebrooculofacioskeletal syndrome 3 (COFS3). Identifiers: MedGen C1851443, MONDO:0014696, OMIM 616570.
Xeroderma pigmentosum, group G (XPG). Also called: XERODERMA PIGMENTOSUM VII; XP, GROUP G; Xeroderma pigmentosum type 7; ERCC5-Related Xeroderma Pigmentosum. Identifiers: MedGen C0268141, MONDO:0010216, OMIM 278780.
Hereditary cancer-predisposing syndrome. Also called: Tumor predisposition; Neoplastic Syndromes, Hereditary; Hereditary neoplastic syndrome; Hereditary Cancer Syndrome. Identifiers: Orphanet 140162, MedGen C0027672, MeSH D009386, MONDO:0015356.
BIVM-ERCC5-related disorder. Also called: BIVM-ERCC5-related condition.
Inborn genetic diseases. Identifiers: MedGen C0950123, MeSH D030342.

Allele frequency attached by ClinVar (database versions not stated): 1000 Genomes Project 30x 0.00078; 1000 Genomes Project 0.00080; ExAC 0.00082; gnomAD exomes 0.00088 and 0.00131; gnomAD 0.00107 and 0.00113; TOPMed 0.00119; ESP Exome Variant Server 0.00123.
gnomAD v4.1: 2,072 of 1,614,138 alleles (0.13%); highest among the groups gnomAD compares: Non-Finnish European, 0.15%; 2 homozygotes.

Submissions (14):

CeGaT Center for Human Genetics Tuebingen
Classification: Likely benign. Last evaluated: 2026-06-01. Review status: criteria provided, single submitter. Criteria: CeGaT Center For Human Genetics Tuebingen Variant Classification Criteria Version 2. Collection method: clinical testing. Allele origin: germline. Affected: yes. Observed: 11 variant alleles.
Comment: ERCC5: BP4, BS2

Labcorp Genetics (formerly Invitae), Labcorp
Classification: Likely benign. Last evaluated: 2026-01-28. Review status: criteria provided, single submitter. Criteria: Invitae Variant Classification Sherloc (09022015). Collection method: clinical testing. Allele origin: germline.

Laboratory of Genetics, Children's Clinical University Hospital Latvia
Classification: Likely benign. Last evaluated: 2025-02-16. Review status: criteria provided, single submitter. Criteria: ACMG Guidelines, 2015. Collection method: clinical testing. Allele origin: germline. Affected: yes.

Blueprint Genetics
Classification: Likely benign. Last evaluated: 2024-11-27. Review status: criteria provided, single submitter. Criteria: ACMG Guidelines, 2015. Collection method: clinical testing. Allele origin: germline.

Women's Health and Genetics/Laboratory Corporation of America, LabCorp
Classification: Uncertain significance. Last evaluated: 2023-07-21. Review status: criteria provided, single submitter. Criteria: LabCorp Variant Classification Summary - May 2015. Collection method: clinical testing. Allele origin: germline.
Comment: Variant summary: ERCC5 c.2818G>A (p.Val940Met) results in a conservative amino acid change in the encoded protein sequence. Three of five in-silico tools predict a damaging effect of the variant on protein function. The variant allele was found at a frequency of 0.00088 in 251474 control chromosomes, including 1 homozygote, predominantly at a frequency of 0.0012 within the Non-Finnish European subpopulation in the gnomAD database. To our knowledge, no occurrence of c.2818G>A in individuals affected with Cerebrooculofacioskeletal Syndrome 3 and no experimental evidence demonstrating its impact on protein function have been reported. Ten submitters have cited clinical-significance assessments for this variant to ClinVar after 2014, and classified it as likely benign (n=6) or uncertain significance (n=4). Based on the evidence outlined above, the variant was classified as VUS-possibly benign.

GeneDx
Classification: Likely benign. Last evaluated: 2022-04-15. Review status: criteria provided, single submitter. Criteria: GeneDx Variant Classification Process June 2021. Collection method: clinical testing. Allele origin: germline. Affected: yes.
Comment: See Variant Classification Assertion Criteria.

Institute for Clinical Genetics, University Hospital TU Dresden, University Hospital TU Dresden
Classification: Uncertain significance. Last evaluated: 2021-11-03. Review status: criteria provided, single submitter. Criteria: ACMG Guidelines, 2015. Collection method: clinical testing. Allele origin: germline.

Ambry Genetics
Classification: Likely benign for Inborn genetic diseases. Last evaluated: 2021-08-23. Review status: criteria provided, single submitter. Criteria: Ambry Variant Classification Scheme 2023. Collection method: clinical testing. Allele origin: germline.

Sema4
Classification: Likely benign for Hereditary cancer-predisposing syndrome. Last evaluated: 2021-05-10. Review status: criteria provided, single submitter. Criteria: Sema4 Curation Guidelines. Collection method: curation. Allele origin: germline.

Fulgent Genetics
Classification: Uncertain significance for Xeroderma pigmentosum, group G; Cerebrooculofacioskeletal syndrome 3. Last evaluated: 2018-10-31. Review status: criteria provided, single submitter. Criteria: ACMG Guidelines, 2015. Collection method: clinical testing. Allele origin: unknown.

Illumina Laboratory Services, Illumina
Classification: Likely benign for Xeroderma pigmentosum, group G. Last evaluated: 2017-05-01. Review status: criteria provided, single submitter. Criteria: ICSL Variant Classification Criteria 13 December 2019. Collection method: clinical testing. Allele origin: germline.
Comment: This variant was observed as part of a predisposition screen in an ostensibly healthy population. A literature search was performed for the gene, cDNA change, and amino acid change (where applicable). No publications were found based on this search. Allele frequency data from public databases allowed determination this variant is unlikely to cause disease. Therefore, this variant is classified as likely benign.

Clinical Genetics DNA and cytogenetics Diagnostics Lab, Erasmus MC, Erasmus Medical Center
Classification: Uncertain significance for Xeroderma pigmentosum, group G. Last evaluated: 2015-09-21. Review status: criteria provided, single submitter. Criteria: ACGS Guidelines, 2013. Collection method: clinical testing. Allele origin: germline. Affected: yes. Study: VKGL Data-share Consensus.

PreventionGenetics, part of Exact Sciences
Classification: Likely benign for BIVM-ERCC5-related condition. Last evaluated: 2020-04-01. Review status: no assertion criteria provided. Collection method: clinical testing. Allele origin: germline. Not counted in ClinVar's aggregate classification.
Comment: This variant is classified as likely benign based on ACMG/AMP sequence variant interpretation guidelines (Richards et al. 2015 PMID: 25741868, with internal and published modifications).

Genome Diagnostics Laboratory, Amsterdam University Medical Center
Classification: Uncertain significance for Xeroderma pigmentosum, group G. Last evaluated: 2015-11-08. Review status: no assertion criteria provided. Criteria: ACGS Guidelines, 2013. Collection method: clinical testing. Allele origin: germline. Affected: yes. Study: VKGL Data-share Consensus. Not counted in ClinVar's aggregate classification.

Literature cited by the submitters: PubMed 30086788 (cited by Sema4); PubMed 30306255 (cited by Sema4).